The following is an entry in ClinVar:

NM_015001.3(SPEN):c.2732C>T (p.Ser911Phe)

Gene: SPEN (spen family transcriptional repressor; plus strand). Cytogenetic location: 1p36.13.
Variant type: single nucleotide variant.
Coding change: c.2732C>T on transcript NM_015001.3 (MANE Select); coding-DNA position 2732, C replaced by T.
Protein change: p.Ser911Phe; replaces serine 911 with phenylalanine.
Molecular consequence: missense variant.
Genome position (GRCh38, 1-based): chr1:15,928,972, C>T. VCF-style: chr1-15928972-C-T. GRCh37 (hg19) VCF-style: chr1-16255467-C-T.
Other names: short protein forms S911F.
Identifiers: ClinVar variation 3029507 (VCV003029507.2), dbSNP rs2523075464, ClinGen allele CA338602899.

ClinVar aggregate classification (germline): Uncertain significance (0 of 4 stars; one submission).

Conditions:
SPEN-related disorder. Also called: SPEN-related condition.

Allele frequency attached by ClinVar (database versions not stated): gnomAD exomes below 0.00001.
gnomAD v4.1: 1 of 1,614,236 alleles (0.000062%); highest among the groups gnomAD compares: Non-Finnish European, 0.000085%; no homozygotes.

Submission:

PreventionGenetics, part of Exact Sciences
Classification: Uncertain significance for SPEN-related condition. Last evaluated: 2023-11-06. Review status: no assertion criteria provided. Collection method: clinical testing. Allele origin: germline.
Comment: The SPEN c.2732C>T variant is predicted to result in the amino acid substitution p.Ser911Phe. To our knowledge, this variant has not been reported in the literature or in a large population database, indicating this variant is rare. At this time, the clinical significance of this variant is uncertain due to the absence of conclusive functional and genetic evidence.